The following is an entry in ClinVar:

ClinVar aggregate classification (germline): Uncertain significance (1 of 4 stars; one submission).

Conditions:
Malignant hyperthermia, susceptibility to, 5 (MHS5). Also called: CACNA1S-Related Malignant Hyperthermia Susceptibility. Identifiers: Orphanet 423, MedGen C1866077, MONDO:0011163, OMIM 601887.

Submission:

All of Us Research Program, National Institutes of Health
Classification: Uncertain significance for Malignant hyperthermia, susceptibility to, 5. Last evaluated: 2023-12-13. Review status: criteria provided, single submitter. Criteria: ACMG Guidelines, 2015. Collection method: clinical testing. Allele origin: germline. Inheritance: Autosomal dominant inheritance. Observed: 1 variant allele, 1 heterozygote.
Comment: This missense variant replaces isoleucine with valine at codon 1292 of the CACNA1S protein. Computational prediction suggests that this variant may not impact protein structure and function (internally defined REVEL score threshold <= 0.5, PMID: 27666373). To our knowledge, functional studies have not been reported for this variant. This variant has not been reported in individuals affected with CACNA1S-related disorders in the literature. This variant has not been identified in the general population by the Genome Aggregation Database (gnomAD). The available evidence is insufficient to determine the role of this variant in disease conclusively. Therefore, this variant is classified as a Variant of Uncertain Significance.

This study involves interpretation of variants in research participants for the purpose of population health screening. Participant phenotype was not available at the time of variant classification. Additional details can be found in publication PMID: 35346344, PMCID: PMC8962531

NM_000069.3(CACNA1S):c.3874A>G (p.Ile1292Val)

Gene: CACNA1S (calcium voltage-gated channel subunit alpha1 S; minus strand). Cytogenetic location: 1q32.1.
Variant type: single nucleotide variant.
Coding change: c.3874A>G on transcript NM_000069.3 (MANE Select); coding-DNA position 3874, A replaced by G.
Protein change: p.Ile1292Val; replaces isoleucine 1292 with valine.
Molecular consequence: missense variant.
Genome position (GRCh38, 1-based): chr1:201,052,636, T>C on the plus strand (A>G on the coding strand, the complement: CACNA1S is on the minus strand). VCF-style: chr1-201052636-T-C. GRCh37 (hg19) VCF-style: chr1-201021764-T-C.
Other names: short protein forms I1292V.
Identifiers: ClinVar variation 3074848 (VCV003074848.1), dbSNP rs2464454835, ClinGen allele CA344152714.